The following is an entry in ClinVar:

NM_000535.7(PMS2):c.769_778del (p.Leu257fs)

Gene: PMS2 (PMS1 homolog 2, mismatch repair system component; minus strand). Cytogenetic location: 7p22.1.
Variant type: Deletion.
Coding change: c.769_778del on transcript NM_000535.7 (MANE Select); coding-DNA positions 769 to 778, 10 bases deleted (TTGAGCTGTT; older notation c.769_778delTTGAGCTGTT).
Protein change: p.Leu257fs; shifts the reading frame from leucine 257.
Molecular consequence: frameshift variant. On other transcripts: 5 prime UTR variant (2), non-coding transcript variant (1), intron variant (3).
Genome position (GRCh38, 1-based): chr7:5,997,351-5,997,360, AACAGCTCAA deleted on the plus strand (TTGAGCTGTT on the coding strand, the reverse complement: PMS2 is on the minus strand); deleting any 10 consecutive bases within chr7:5,997,351-5,997,361 gives the same sequence; the c. name uses the placement nearest the transcript's 3' end. VCF-style (leftmost placement, unchanged base first): chr7-5997350-GAACAGCTCAA-G. GRCh37 (hg19) VCF-style: chr7-6036981-GAACAGCTCAA-G.
Other names: c.363_372delTTTGAGCTGT, p.Leu122Profs (NM_001018040.1); c.364_373del, p.Leu122fs (NM_001322003.2, NM_001322004.2, NM_001322005.2 and 19 more transcripts); c.769_778del, p.Leu257fs (NM_001322006.2, NM_001322014.2, NM_001406870.1 and 3 more transcripts); c.451_460del, p.Leu151fs (NM_001322007.2, NM_001322008.2, NM_001406876.1 and 4 more transcripts); c.-165_-156del (NM_001322011.2, NM_001322012.2); c.196_205del, p.Leu66fs (NM_001322013.2, NM_001406909.1); c.460_469del, p.Leu154fs (NM_001322015.2, NM_001406875.1, NM_001406877.1 and 6 more transcripts); c.955_964del, p.Leu319fs (NM_001406866.1); and 8 more; short protein forms L122fs, L145fs, L151fs, L154fs, L201fs, L221fs, L257fs, L265fs.
Identifiers: ClinVar variation 2674250 (VCV002674250.1), dbSNP rs2536220625, ClinGen allele CA2695198429.
Genomic context (GRCh38, chr7:5,997,350, plus strand): 5'-GTTCAATTGTAGTTCTCTTGCCAGCAATCTACTTACTAAAAAAGATTATGCAGAGCATCG[GAACAGCTCAA>G]ACCGTACTCTTCACACACGGAGTCACTAGGGGGCAGCTGAACAAAAGGAATGAGGCTTTG-3'

ClinVar aggregate classification (germline): Pathogenic (1 of 4 stars; one submission).

Conditions:
Lynch syndrome 4 (LYNCH4). Also called: Hereditary non-polyposis colorectal cancer, type 4; Colorectal cancer, hereditary nonpolyposis, type 4. Identifiers: Orphanet 144, MedGen C1838333, MONDO:0013699, OMIM 614337. Disease mechanism: loss of function.

Submission:

Myriad Genetics, Inc.
Classification: Pathogenic for Lynch syndrome 4. Last evaluated: 2023-09-19. Review status: criteria provided, single submitter. Criteria: Myriad Autosomal Dominant, Autosomal Recessive and X-Linked Classification Criteria (2023). Collection method: clinical testing. Allele origin: unknown.
Comment: This variant is considered pathogenic. This variant creates a frameshift predicted to result in premature protein truncation.